The following is an entry in ClinVar:

NM_001376.5(DYNC1H1):c.8929C>T (p.Arg2977Trp)

Genes: DYNC1H1 (dynein cytoplasmic 1 heavy chain 1; plus strand), LOC126862060 (BRD4-independent group 4 enhancer GRCh37_chr14:102493659-102494858; plus strand). Cytogenetic location: 14q32.31.
Variant type: single nucleotide variant.
Coding change: c.8929C>T on transcript NM_001376.5 (MANE Select); coding-DNA position 8929, C replaced by T.
Protein change: p.Arg2977Trp; replaces arginine 2977 with tryptophan.
Molecular consequence: missense variant.
Genome position (GRCh38, 1-based): chr14:102,027,425, C>T. VCF-style: chr14-102027425-C-T. GRCh37 (hg19) VCF-style: chr14-102493762-C-T.
Other names: short protein forms R2977W.
Identifiers: ClinVar variation 1708502 (VCV001708502.4), dbSNP rs2503804194, ClinGen allele CA391010648.
Genomic context (GRCh38, chr14:102,027,425, plus strand): 5'-TTGCCTCTGCTTCTGTAGGTCCATAGGAAGTACACAGGGGAAGACTTTGATGAAGATCTA[C>T]GGACAGTGTTGAGACGTTCTGGCTGTAAAAATGAAAAGATAGCATTTATAATGGATGAAT-3'
Protein context (NP_001367.2, residues 2967-2987): YTGEDFDEDL[Arg2977Trp]TVLRRSGCKN

ClinVar aggregate classification (germline): Uncertain significance. Review status: criteria provided, multiple submitters, no conflicts (2 of 4 stars). 2 submissions from 2 submitters: Uncertain significance (2). Last evaluated 2023-06-02.

Conditions:
Cortical dysplasia, complex, with other brain malformations 13. Also called: Intellectual disability, autosomal dominant 13. Identifiers: MedGen C3281202, MONDO:0013805, OMIM 614563.

Submissions (2):

GeneDx
Classification: Uncertain significance. Last evaluated: 2023-06-02. Review status: criteria provided, single submitter. Criteria: GeneDx Variant Classification Process June 2021. Collection method: clinical testing. Allele origin: germline. Affected: yes.
Comment: Not observed at significant frequency in large population cohorts (gnomAD); In silico analysis supports that this missense variant has a deleterious effect on protein structure/function; Has not been previously published as pathogenic or benign to our knowledge; This variant is associated with the following publications: (PMID: 28455235, 26100331, 25609763, 25512093)

Institute for Medical Genetics and Human Genetics, Charité - Universitätsmedizin Berlin
Classification: Uncertain significance for Cortical dysplasia, complex, with other brain malformations 13. Last evaluated: 2022-09-27. Review status: criteria provided, single submitter. Criteria: ACMG Guidelines, 2015. Collection method: clinical testing. Allele origin: germline. Inheritance: Autosomal dominant inheritance. Affected: yes. Observed: 1 heterozygote.